The following is an entry in ClinVar:

ClinVar aggregate classification (germline): Likely benign (1 of 4 stars; one submission).

Allele frequency attached by ClinVar (database versions not stated): gnomAD 0.00001.
gnomAD v4.1: 3 of 1,613,742 alleles (0.00019%); highest among the groups gnomAD compares: Non-Finnish European, 0.00025%; no homozygotes.

Submission:

CeGaT Center for Human Genetics Tuebingen
Classification: Likely benign. Last evaluated: 2023-10-01. Review status: criteria provided, single submitter. Criteria: CeGaT Center For Human Genetics Tuebingen Variant Classification Criteria Version 2. Collection method: clinical testing. Allele origin: germline. Affected: yes. Observed: 1 variant allele.
Comment: MTOR: BP4, BP7

NM_004958.4(MTOR):c.5250C>T (p.Cys1750=)

Gene: MTOR (mechanistic target of rapamycin kinase; minus strand). Cytogenetic location: 1p36.22.
Variant type: single nucleotide variant.
Coding change: c.5250C>T on transcript NM_004958.4 (MANE Select); coding-DNA position 5250, C replaced by T.
Protein change: p.Cys1750=; no amino-acid change (cysteine 1750 retained).
Molecular consequence: synonymous variant.
Genome position (GRCh38, 1-based): chr1:11,133,194, G>A on the plus strand (C>T on the coding strand, the complement: MTOR is on the minus strand). VCF-style: chr1-11133194-G-A. GRCh37 (hg19) VCF-style: chr1-11193251-G-A.
Other names: c.5250C>T, p.Cys1750= (NM_001386500.1); c.4002C>T, p.Cys1334= (NM_001386501.1).
Identifiers: ClinVar variation 2638222 (VCV002638222.24), dbSNP rs758979790, ClinGen allele CA415921996.